The following is an entry in ClinVar:

ClinVar aggregate classification (germline): Uncertain significance (1 of 4 stars; one submission).

Submission:

Women's Health and Genetics/Laboratory Corporation of America, LabCorp
Classification: Uncertain significance. Last evaluated: 2025-05-09. Review status: criteria provided, single submitter. Criteria: LabCorp Variant Classification Summary - May 2015. Collection method: clinical testing. Allele origin: germline.
Comment: Variant summary: FLNA c.5665A>G (p.Asn1889Asp) results in a conservative amino acid change in the encoded protein sequence. Algorithms developed to predict the effect of missense changes on protein structure and function are either unavailable or do not agree on the potential impact of this missense change. The variant was absent in 181611 control chromosomes. The available data on variant occurrences in the general population are insufficient to allow any conclusion about variant significance. To our knowledge, no occurrence of c.5665A>G in individuals affected with Periventricular Nodular Heterotopia 1 and no experimental evidence demonstrating its impact on protein function have been reported. No submitters have cited clinical-significance assessments for this variant to ClinVar. Based on the evidence outlined above, the variant was classified as uncertain significance.

NM_001110556.2(FLNA):c.5665A>G (p.Asn1889Asp)

Gene: FLNA (filamin A; minus strand). Cytogenetic location: Xq28.
Variant type: single nucleotide variant.
Coding change: c.5665A>G on transcript NM_001110556.2 (MANE Select); coding-DNA position 5665, A replaced by G.
Protein change: p.Asn1889Asp; replaces asparagine 1889 with aspartic acid.
Molecular consequence: missense variant.
Genome position (GRCh38, 1-based): chrX:154,353,936, T>C on the plus strand (A>G on the coding strand, the complement: FLNA is on the minus strand). VCF-style: chrX-154353936-T-C. GRCh37 (hg19) VCF-style: chrX-153582304-T-C.
Other names: c.5641A>G, p.Asn1881Asp (NM_001456.4); short protein forms N1881D, N1889D.
Identifiers: ClinVar variation 3902364 (VCV003902364.1).